The following is an entry in ClinVar:

ClinVar aggregate classification (germline): Benign. Review status: criteria provided, multiple submitters, no conflicts (2 of 4 stars). 2 submissions from 2 submitters: Benign (2). Last evaluated 2018-01-13.

Conditions:
Landau-Kleffner syndrome (FESD). Also called: EPILEPSY, FOCAL, WITH SPEECH DISORDER AND WITH OR WITHOUT MENTAL RETARDATION; APHASIA, ACQUIRED, WITH EPILEPSY. Identifiers: Orphanet 1945, Orphanet 725, Orphanet 98818, MedGen C0282512, MONDO:0009509, OMIM 245570.

Allele frequency attached by ClinVar (database versions not stated): TOPMed 0.00275; gnomAD 0.00325 and 0.00313; ExAC 0.00292; ESP Exome Variant Server 0.00339; 1000 Genomes Project 0.00240; 1000 Genomes Project 30x 0.00265.
gnomAD v4.1: 6,188 of 1,593,420 alleles (0.39%); highest among the groups gnomAD compares: Non-Finnish European, 0.47%; 17 homozygotes.

Submissions (2):

Illumina Laboratory Services, Illumina
Classification: Benign for Landau-Kleffner syndrome. Last evaluated: 2018-01-13. Review status: criteria provided, single submitter. Criteria: ICSL Variant Classification Criteria 13 December 2019. Collection method: clinical testing. Allele origin: germline.
Comment: This variant was observed in the ICSL laboratory as part of a predisposition screen in an ostensibly healthy population. It had not been previously curated by ICSL or reported in the Human Gene Mutation Database (HGMD: prior to June 1st, 2018), and was therefore a candidate for classification through an automated scoring system. Utilizing variant allele frequency, disease prevalence and penetrance estimates, and inheritance mode, an automated score was calculated to assess if this variant is too frequent to cause the disease. Based on the score and internal cut-off values, a variant classified as benign is not then subjected to further curation. The score for this variant resulted in a classification of benign for this disease.

Breakthrough Genomics
Classification: Benign. Review status: criteria provided, single submitter. Criteria: ACMG Guidelines, 2015. Collection method: not provided. Allele origin: germline. Inheritance: Autosomal dominant inheritance. Affected: yes.

NM_001134407.3(GRIN2A):c.*39G>A

Gene: GRIN2A (glutamate ionotropic receptor NMDA type subunit 2A; minus strand). Cytogenetic location: 16p13.2.
Variant type: single nucleotide variant.
Coding change: c.*39G>A on transcript NM_001134407.3 (MANE Select); 39 bases downstream of the stop codon, G replaced by A.
Molecular consequence: 3 prime UTR variant.
Genome position (GRCh38, 1-based): chr16:9,763,110, C>T on the plus strand (G>A on the coding strand, the complement: GRIN2A is on the minus strand). VCF-style: chr16-9763110-C-T. GRCh37 (hg19) VCF-style: chr16-9856967-C-T.
Other names: c.*39G>A (NM_000833.5); c.*245G>A (NM_001134408.2).
Identifiers: ClinVar variation 321598 (VCV000321598.6), dbSNP rs141956850, ClinGen allele CA7896154.
Genomic context (GRCh38, chr16:9,763,110, plus strand): 5'-TTCCTCTTAGCAGGGCACTATTGGACATCCAACATTTACCCTCCAGAACATTGGCCATTA[C>T]GTATATTTCCCTATAGATAAAACATTAATGGAAGATTTTTAAACATCAGATTCGATACTA-3'